The following is an entry in ClinVar:

ClinVar aggregate classification (germline): Uncertain significance (1 of 4 stars; one submission).

Conditions:
MHC class II deficiency. Also called: Bare lymphocyte syndrome 2; BLS, TYPE II. Identifiers: Orphanet 572, MedGen C5447452, MONDO:0008855.

Allele frequency attached by ClinVar (database versions not stated): gnomAD 0.00055 and 0.00061; TOPMed 0.00064; gnomAD exomes 0.00004 and 0.00010; ExAC 0.00012; ESP Exome Variant Server 0.00023.

Submission:

Labcorp Genetics (formerly Invitae), Labcorp
Classification: Uncertain significance for MHC class II deficiency. Last evaluated: 2024-11-05. Review status: criteria provided, single submitter. Criteria: Invitae Variant Classification Sherloc (09022015). Collection method: clinical testing. Allele origin: germline.
Comment: This sequence change replaces arginine, which is basic and polar, with lysine, which is basic and polar, at codon 263 of the RFXAP protein (p.Arg263Lys). This variant is present in population databases (rs144169233, gnomAD 0.1%). This variant has not been reported in the literature in individuals affected with RFXAP-related conditions. ClinVar contains an entry for this variant (Variation ID: 569469). Invitae Evidence Modeling of protein sequence and biophysical properties (such as structural, functional, and spatial information, amino acid conservation, physicochemical variation, residue mobility, and thermodynamic stability) indicates that this missense variant is not expected to disrupt RFXAP protein function with a negative predictive value of 80%. In summary, the available evidence is currently insufficient to determine the role of this variant in disease. Therefore, it has been classified as a Variant of Uncertain Significance.

NM_000538.4(RFXAP):c.788G>A (p.Arg263Lys)

Gene: RFXAP (regulatory factor X associated protein; plus strand). Cytogenetic location: 13q13.3.
Variant type: single nucleotide variant.
Coding change: c.788G>A on transcript NM_000538.4 (MANE Select); coding-DNA position 788, G replaced by A.
Protein change: p.Arg263Lys; replaces arginine 263 with lysine.
Molecular consequence: missense variant.
Genome position (GRCh38, 1-based): chr13:36,827,722, G>A. VCF-style: chr13-36827722-G-A. GRCh37 (hg19) VCF-style: chr13-37401859-G-A.
Other names: short protein forms R263K.
Identifiers: ClinVar variation 569469 (VCV000569469.6), dbSNP rs144169233, ClinGen allele CA6950292.